The following is an entry in ClinVar:

ClinVar aggregate classification (germline): Likely benign (1 of 4 stars; one submission).

Conditions:
TP53I3-related disorder. Also called: TP53I3-related condition.

gnomAD v4.1: 730 of 1,609,954 alleles (0.045%); highest among the groups gnomAD compares: Middle Eastern, 0.35%; 2 homozygotes.

Submission:

PreventionGenetics, part of Exact Sciences
Classification: Likely benign for TP53I3-related condition. Last evaluated: 2026-07-22. Review status: criteria provided, single submitter. Criteria: ACMG Guidelines, 2015. Collection method: clinical testing. Allele origin: germline.
Comment: This variant is classified as likely benign based on ACMG/AMP sequence variant interpretation guidelines (Richards et al. 2015 PMID: 25741868, with internal and published modifications).

NM_004881.5(TP53I3):c.388C>T (p.Gln130Ter)

Genes: FAM228B (family with sequence similarity 228 member B; plus strand), TP53I3 (tumor protein p53 inducible protein 3; minus strand). Cytogenetic location: 2p23.3.
Variant type: single nucleotide variant.
Coding change: c.388C>T on transcript NM_004881.5 (MANE Select); coding-DNA position 388, C replaced by T.
Protein change: p.Gln130Ter; replaces glutamine 130 with a stop codon.
Molecular consequence: nonsense. On other transcripts: intron variant (1).
Genome position (GRCh38, 1-based): chr2:24,082,903, G>A on the plus strand (C>T on the coding strand, the complement: TP53I3 is on the minus strand). VCF-style: chr2-24082903-G-A. GRCh37 (hg19) VCF-style: chr2-24305773-G-A.
Other names: c.388C>T, p.Gln130Ter (NM_001206802.2, NM_147184.4); c.-210+1948G>A (NM_001291328.2); short protein forms Q130*.
Identifiers: ClinVar variation 4984967 (VCV004984967.1).